The following is an entry in ClinVar:

ClinVar aggregate classification (germline): Conflicting classifications of pathogenicity. Review status: criteria provided, conflicting classifications (1 of 4 stars). 2 submissions from 2 submitters: Uncertain significance (1); Likely benign (1). Last evaluated 2021-04-22.

Conditions:
Dilated cardiomyopathy 1G (CMD1G). Identifiers: Orphanet 154, MedGen C1858763, MONDO:0011400, OMIM 604145.
Autosomal recessive limb-girdle muscular dystrophy type 2J (LGMDR10). Also called: MUSCULAR DYSTROPHY, LIMB-GIRDLE, AUTOSOMAL RECESSIVE 10; Limb-girdle muscular dystrophy, type 2J. Identifiers: Orphanet 140922, MedGen C1837342, MONDO:0012127, OMIM 608807.

Submissions (2):

Labcorp Genetics (formerly Invitae), Labcorp
Classification: Uncertain significance for Dilated cardiomyopathy 1G; Autosomal recessive limb-girdle muscular dystrophy type 2J. Last evaluated: 2021-04-22. Review status: criteria provided, single submitter. Criteria: Invitae Variant Classification Sherloc (09022015). Collection method: clinical testing. Allele origin: germline.
Comment: This variant is located in the M band of TTN (PMID: 25589632). Variants in this region may be relevant for neuromuscular disorders, but have not been definitively shown to cause cardiomyopathy (PMID: 23975875). In summary, the available evidence is currently insufficient to determine the role of this variant in disease. Therefore, it has been classified as a Variant of Uncertain Significance. Experimental studies and prediction algorithms are not available or were not evaluated, and the functional significance of this variant is currently unknown. This variant has not been reported in the literature in individuals with TTN-related conditions. ClinVar contains an entry for this variant (Variation ID: 682459). This variant is not present in population databases (ExAC no frequency). This sequence change replaces isoleucine with asparagine at codon 34098 of the TTN protein (p.Ile34098Asn). There is a large physicochemical difference between isoleucine and asparagine.

GeneDx
Classification: Likely benign. Last evaluated: 2018-04-25. Review status: criteria provided, single submitter. Criteria: GeneDx Variant Classification (06012015). Collection method: clinical testing. Allele origin: germline. Affected: yes.
Comment: This variant is considered likely benign or benign based on one or more of the following criteria: it is a conservative change, it occurs at a poorly conserved position in the protein, it is predicted to be benign by multiple in silico algorithms, and/or has population frequency not consistent with disease.

Literature cited by the submitters: PubMed 25589632 (cited by Labcorp Genetics (formerly Invitae), Labcorp); PubMed 23975875 (cited by Labcorp Genetics (formerly Invitae), Labcorp).

NM_001267550.2(TTN):c.102293T>A (p.Ile34098Asn)

Genes: TTN-AS1 (TTN antisense RNA 1; plus strand), TTN (titin; minus strand). Cytogenetic location: 2q31.2.
Variant type: single nucleotide variant.
Coding change: c.102293T>A on transcript NM_001267550.2 (MANE Select); coding-DNA position 102293, T replaced by A.
Protein change: p.Ile34098Asn; replaces isoleucine 34098 with asparagine.
Molecular consequence: missense variant.
Genome position (GRCh38, 1-based): chr2:178,534,322, A>T on the plus strand (T>A on the coding strand, the complement: TTN is on the minus strand). VCF-style: chr2-178534322-A-T. GRCh37 (hg19) VCF-style: chr2-179399049-A-T.
Other names: c.97370T>A, p.Ile32457Asn (NM_001256850.1); c.75098T>A, p.Ile25033Asn (NM_003319.4); c.94589T>A, p.Ile31530Asn (NM_133378.4); c.75473T>A, p.Ile25158Asn (NM_133432.3); c.75674T>A, p.Ile25225Asn (NM_133437.4); short protein forms I25158N, I32457N, I25225N, I31530N, I25033N, I34098N.
Identifiers: ClinVar variation 682459 (VCV000682459.7), dbSNP rs1480810435, ClinGen allele CA349417944.
Genomic context (GRCh38, chr2:178,534,322, plus strand): 5'-CGAATTGCACCACCACAGGAGATCCGGGCTGCTGACACAACCATGTTGAGGTCTTTCTTG[A>T]TCAGGGTGTGGTAATAACGCCGGTGTTTTAATGTTCTGATAACTTTAGTACTGACTCTTT-3'
Protein context (NP_001254479.2, residues 34088-34108): LKHRRYYHTL[Ile34098Asn]KKDLNMVVSA